The following is an entry in ClinVar:

ClinVar aggregate classification (germline): Uncertain significance. Review status: criteria provided, multiple submitters, no conflicts (2 of 4 stars). 4 submissions from 4 submitters: Uncertain significance (4). Last evaluated 2024-05-21.

Conditions:
POLG-related disorder. Also called: POLG-Related Spectrum Disorders; POLG-related condition; POLG-Related Disorders. Identifiers: MedGen C4763519.
Progressive sclerosing poliodystrophy (MTDPS4A). Also called: Alpers-Huttenlocher Syndrome (AHS); Alpers Syndrome; ALPERS PROGRESSIVE INFANTILE POLIODYSTROPHY; Mitochondrial DNA depletion syndrome 4A (Alpers type); ALPERS DIFFUSE DEGENERATION OF CEREBRAL GRAY MATTER WITH HEPATIC CIRRHOSIS; Alpers-Huttenlocher Syndrome. Identifiers: Orphanet 726, MedGen C0205710, MONDO:0008758, OMIM 203700.

Allele frequency attached by ClinVar (database versions not stated): gnomAD exomes below 0.00001 and 0.00001; gnomAD 0.00001; ExAC 0.00002.
gnomAD v4.1: 9 of 1,613,988 alleles (0.00056%); highest among the groups gnomAD compares: African/African-American, 0.0027%; no homozygotes.

Submissions (4):

Labcorp Genetics (formerly Invitae), Labcorp
Classification: Uncertain significance for Progressive sclerosing poliodystrophy. Last evaluated: 2024-05-21. Review status: criteria provided, single submitter. Criteria: Invitae Variant Classification Sherloc (09022015). Collection method: clinical testing. Allele origin: germline.
Comment: This sequence change replaces arginine, which is basic and polar, with cysteine, which is neutral and slightly polar, at codon 443 of the POLG protein (p.Arg443Cys). This variant is present in population databases (rs747485523, gnomAD 0.007%). This missense change has been observed in individual(s) with clinical features of POLG-related conditions (PMID: 21880868, 32613234). ClinVar contains an entry for this variant (Variation ID: 619408). Advanced modeling of protein sequence and biophysical properties (such as structural, functional, and spatial information, amino acid conservation, physicochemical variation, residue mobility, and thermodynamic stability) performed at Invitae indicates that this missense variant is expected to disrupt POLG protein function with a positive predictive value of 95%. In summary, the available evidence is currently insufficient to determine the role of this variant in disease. Therefore, it has been classified as a Variant of Uncertain Significance.

GeneDx
Classification: Uncertain significance. Last evaluated: 2024-04-01. Review status: criteria provided, single submitter. Criteria: GeneDx Variant Classification Process June 2021. Collection method: clinical testing. Allele origin: germline. Affected: yes.
Comment: Identified as heterozygous in a patient with exercise intolerance, and muscle weakness; a second variant in POLG was not identified and comprehensive genetic analysis was not performed (PMID: 21880868); In silico analysis supports that this missense variant has a deleterious effect on protein structure/function; Not observed at significant frequency in large population cohorts (gnomAD); This variant is associated with the following publications: (PMID: 32613234, 21880868)

Wong Mito Lab, Molecular and Human Genetics, Baylor College of Medicine
Classification: Uncertain significance for Progressive sclerosing poliodystrophy. Last evaluated: 2018-10-01. Review status: criteria provided, single submitter. Criteria: ACMG Guidelines, 2015. Collection method: clinical testing. Allele origin: germline.
Comment: The NM_002693.2:c.1327C>T (NP_002684.1:p.Arg443Cys) [GRCH38: NC_000015.10:g.89327273G>A] variant in POLG gene is interpretated to be a Uncertain Significance based on ACMG guidelines (PMID: 25741868). This variant meets the following evidence codes reported in the ACMG-guideline. PM2:This variant is absent in key population databases. PP2:This is a missense variant in POLG with a low rate of benign and high rate of pathogenic missense variations. PP3:Computational evidence/predictors indicate the variant has deleterious effect on POLG structure, function, or protein-protein interaction. PP4:Patient's phenotype or family history is highly specific for POLG. Based on the evidence criteria codes applied, the variant is suggested to be Uncertain Significance.

Illumina Laboratory Services, Illumina
Classification: Uncertain significance for POLG-Related Spectrum Disorders. Last evaluated: 2017-04-27. Review status: criteria provided, single submitter. Criteria: ICSL Variant Classification Criteria 13 December 2019. Collection method: clinical testing. Allele origin: germline.

Literature cited by the submitters: PubMed 21880868 (cited by Labcorp Genetics (formerly Invitae), Labcorp); PubMed 32613234 (cited by Labcorp Genetics (formerly Invitae), Labcorp).

NM_002693.3(POLG):c.1327C>T (p.Arg443Cys)

Gene: POLG (DNA polymerase gamma, catalytic subunit; minus strand). Cytogenetic location: 15q26.1.
Variant type: single nucleotide variant.
Coding change: c.1327C>T on transcript NM_002693.3 (MANE Select); coding-DNA position 1327, C replaced by T.
Protein change: p.Arg443Cys; replaces arginine 443 with cysteine.
Molecular consequence: missense variant.
Genome position (GRCh38, 1-based): chr15:89,327,273, G>A on the plus strand (C>T on the coding strand, the complement: POLG is on the minus strand). VCF-style: chr15-89327273-G-A. GRCh37 (hg19) VCF-style: chr15-89870504-G-A.
Other names: c.1327C>T, p.Arg443Cys (NM_001126131.2); short protein forms R443C.
Identifiers: ClinVar variation 619408 (VCV000619408.9), dbSNP rs747485523, ClinGen allele CA7724877.